The following is an entry in ClinVar:

NM_001267550.2(TTN):c.94266dup (p.Asn31423fs)

Genes: TTN (titin; minus strand), TTN-AS1 (TTN antisense RNA 1; plus strand). Cytogenetic location: 2q31.2.
Variant type: Duplication.
Coding change: c.94266dup on transcript NM_001267550.2 (MANE Select); coding-DNA position 94266, one base duplicated (C; older notation c.94266dupC).
Protein change: p.Asn31423fs; shifts the reading frame from asparagine 31423.
Molecular consequence: frameshift variant.
Genome position (GRCh38, 1-based): chr2:178,547,259, G duplicated on the plus strand (C on the coding strand, the reverse complement: TTN is on the minus strand); the first of 2 consecutive G bases (chr2:178,547,259-178,547,260); duplicating either gives the same sequence. VCF-style (leftmost placement, unchanged base first): chr2-178547258-T-TG. GRCh37 (hg19) VCF-style: chr2-179411985-T-TG.
Other names: c.89343dup, p.Asn29782fs (NM_001256850.1); c.67071dup, p.Asn22358fs (NM_003319.4); c.86562dup, p.Asn28855fs (NM_133378.4); c.67446dup, p.Asn22483fs (NM_133432.3); c.67647dup, p.Asn22550fs (NM_133437.4); short protein forms N22483fs, N28855fs, N31423fs, N22358fs, N22550fs, N29782fs.
Identifiers: ClinVar variation 2921849 (VCV002921849.3), dbSNP rs2469085084, ClinGen allele CA2740095978.
Genomic context (GRCh38, chr2:178,547,258, plus strand): 5'-AGCCAATGATTTTACTGCCACCATCGTGGTAGGGTTCTTCCCAACGAATAGACATGGCAT[T>TG]GGCAGACACATGGTAGACCTCAGGTCTGGTAGGAGCGCTTGGTGGGACTAAATATAAACA-3'

ClinVar aggregate classification (germline): Likely pathogenic (1 of 4 stars; one submission).

Conditions:
Dilated cardiomyopathy 1G (CMD1G). Identifiers: Orphanet 154, MedGen C1858763, MONDO:0011400, OMIM 604145.
Autosomal recessive limb-girdle muscular dystrophy type 2J (LGMDR10). Also called: Limb-girdle muscular dystrophy, type 2J; MUSCULAR DYSTROPHY, LIMB-GIRDLE, AUTOSOMAL RECESSIVE 10. Identifiers: Orphanet 140922, MedGen C1837342, MONDO:0012127, OMIM 608807.

Submission:

Labcorp Genetics (formerly Invitae), Labcorp
Classification: Likely pathogenic for Dilated cardiomyopathy 1G; Autosomal recessive limb-girdle muscular dystrophy type 2J. Last evaluated: 2023-12-31. Review status: criteria provided, single submitter. Criteria: Invitae Variant Classification Sherloc (09022015). Collection method: clinical testing. Allele origin: germline.
Comment: This sequence change creates a premature translational stop signal (p.Asn31423Glnfs*17) in the TTN gene. While this is not anticipated to result in nonsense mediated decay, it is expected to create a truncated TTN protein. This variant is not present in population databases (gnomAD no frequency). This variant has not been reported in the literature in individuals affected with TTN-related conditions. This variant is located in the A band of TTN (PMID: 25589632). Truncating variants in this region are significantly overrepresented in patients affected with dilated cardiomyopathy (PMID: 25589632). Truncating variants in this region have also been reported in individuals affected with autosomal recessive centronuclear myopathy (PMID: 23975875). In summary, the currently available evidence indicates that the variant is pathogenic, but additional data are needed to prove that conclusively. Therefore, this variant has been classified as Likely Pathogenic.

Literature cited by the submitters: PubMed 25589632; PubMed 23975875.